The following is an entry in ClinVar:

NM_002047.4(GARS1):c.262C>G (p.Gln88Glu)

Gene: GARS1 (glycyl-tRNA synthetase 1; plus strand). Cytogenetic location: 7p14.3.
Variant type: single nucleotide variant.
Coding change: c.262C>G on transcript NM_002047.4 (MANE Select); coding-DNA position 262, C replaced by G.
Protein change: p.Gln88Glu; replaces glutamine 88 with glutamic acid.
Molecular consequence: missense variant.
Genome position (GRCh38, 1-based): chr7:30,598,835, C>G. VCF-style: chr7-30598835-C-G. GRCh37 (hg19) VCF-style: chr7-30638451-C-G.
Other names: c.100C>G, p.Gln34Glu (NM_001316772.1); c.262C>G (LRG_243t1); short protein forms Q88E, Q34E.
Identifiers: ClinVar variation 410311 (VCV000410311.17), dbSNP rs201728920, ClinGen allele CA4205632.

ClinVar aggregate classification (germline): Conflicting classifications of pathogenicity. Review status: criteria provided, conflicting classifications (1 of 4 stars). 4 submissions from 4 submitters: Uncertain significance (3); Likely benign (1). Last evaluated 2024-10-20.

Conditions:
Charcot-Marie-Tooth disease type 2. Also called: Charcot-Marie-Tooth type 2. Identifiers: Orphanet 64746, MedGen C0270914, MONDO:0018993.
Neuronopathy, distal hereditary motor, type 5A (HMND5). Also called: Distal Spinal Muscular Atrophy V; DHMN VA; NEURONOPATHY, DISTAL HEREDITARY MOTOR, AUTOSOMAL DOMINANT 5; Distal Spinal Muscular Atrophy V (dSMA-V). Identifiers: Orphanet 139536, MedGen CN031873, MONDO:0015353, OMIM 600794.
Charcot-Marie-Tooth disease type 2D (CMT2D). Also called: GARS1 Adolescent- or Early Adult-Onset Hereditary Motor/Sensory Neuropathy (GARS1-HMSN); Charcot-Marie-Tooth Neuropathy Type 2D; CHARCOT-MARIE-TOOTH DISEASE, AXONAL, TYPE 2D; CHARCOT-MARIE-TOOTH DISEASE, NEURONAL, TYPE 2D. Identifiers: Orphanet 99938, MedGen C1832274, MONDO:0011091, OMIM 601472.

Allele frequency attached by ClinVar (database versions not stated): gnomAD exomes 0.00002 and 0.00005; gnomAD 0.00003; TOPMed 0.00003; ExAC 0.00006.
gnomAD v4.1: 35 of 1,613,964 alleles (0.0022%); highest among the groups gnomAD compares: Middle Eastern, 0.049%; no homozygotes.

Submissions (4):

Labcorp Genetics (formerly Invitae), Labcorp
Classification: Uncertain significance for Charcot-Marie-Tooth disease type 2. Last evaluated: 2024-10-20. Review status: criteria provided, single submitter. Criteria: Invitae Variant Classification Sherloc (09022015). Collection method: clinical testing. Allele origin: germline.
Comment: This sequence change replaces glutamine, which is neutral and polar, with glutamic acid, which is acidic and polar, at codon 88 of the GARS protein (p.Gln88Glu). This variant is present in population databases (rs201728920, gnomAD 0.009%). This missense change has been observed in individual(s) with clinical features of GARS-related conditions (PMID: 32403337). ClinVar contains an entry for this variant (Variation ID: 410311). Invitae Evidence Modeling of protein sequence and biophysical properties (such as structural, functional, and spatial information, amino acid conservation, physicochemical variation, residue mobility, and thermodynamic stability) indicates that this missense variant is not expected to disrupt GARS protein function with a negative predictive value of 95%. In summary, the available evidence is currently insufficient to determine the role of this variant in disease. Therefore, it has been classified as a Variant of Uncertain Significance.

Ambry Genetics
Classification: Uncertain significance. Last evaluated: 2022-04-15. Review status: criteria provided, single submitter. Criteria: Ambry Variant Classification Scheme 2023. Collection method: clinical testing. Allele origin: germline.
Comment: The p.Q88E variant (also known as c.262C>G), located in coding exon 2 of the GARS gene, results from a C to G substitution at nucleotide position 262. The glutamine at codon 88 is replaced by glutamic acid, an amino acid with highly similar properties. This alteration was detected in an individual with pes cavus in a neuromuscular disease testing cohort; however, clinical details were limited (Gonzalez-Quereda L et al. Genes (Basel), 2020 05;11:). This amino acid position is well conserved in available vertebrate species. In addition, this alteration is predicted to be tolerated by in silico analysis. Based on the supporting evidence, this variant is unlikely to be causative of Charcot-Marie Tooth type 2D (CMT2D) and distal hereditary motor neuronopathy type VA; however, its contribution to the development of GARS-related mitochondrial respiratory chain dysfunction is uncertain.

GeneDx
Classification: Likely benign. Last evaluated: 2019-12-16. Review status: criteria provided, single submitter. Criteria: GeneDx Variant Classification Process June 2021. Collection method: clinical testing. Allele origin: germline. Affected: yes.

Fulgent Genetics
Classification: Uncertain significance for Neuronopathy, distal hereditary motor, type 5A; Charcot-Marie-Tooth disease type 2D. Last evaluated: 2018-10-31. Review status: criteria provided, single submitter. Criteria: ACMG Guidelines, 2015. Collection method: clinical testing. Allele origin: unknown.

Literature cited by the submitters: PubMed 32403337 (cited by Labcorp Genetics (formerly Invitae), Labcorp and Ambry Genetics).